The following is an entry in ClinVar:

ClinVar aggregate classification (germline): Pathogenic/Likely pathogenic. Review status: criteria provided, multiple submitters, no conflicts (2 of 4 stars). 2 submissions from 2 submitters: Pathogenic (1); Likely pathogenic (1). Last evaluated 2026-09-18.

Conditions:
Pierpont syndrome (PRPTS). Identifiers: Orphanet 487825, MedGen C1865644, MONDO:0011213, OMIM 602342.

Submissions (2):

GeneDx
Classification: Likely pathogenic. Last evaluated: 2026-09-18. Review status: criteria provided, single submitter. Criteria: GeneDx Variant Classification Process June 2021. Collection method: clinical testing. Allele origin: germline.
Comment: Not observed at significant frequency in large population cohorts (gnomAD); In silico analysis supports that this missense variant has a deleterious effect on protein structure/function; Has not been previously published as pathogenic or benign to our knowledge

Labcorp Genetics (formerly Invitae), Labcorp
Classification: Pathogenic for Pierpont syndrome. Last evaluated: 2021-11-15. Review status: criteria provided, single submitter. Criteria: Invitae Variant Classification Sherloc (09022015). Collection method: clinical testing. Allele origin: germline.
Comment: For these reasons, this variant has been classified as Pathogenic. Advanced modeling of protein sequence and biophysical properties (such as structural, functional, and spatial information, amino acid conservation, physicochemical variation, residue mobility, and thermodynamic stability) performed at Invitae indicates that this missense variant is expected to disrupt TBL1XR1 protein function. This missense change has been observed in individual(s) with clinical features of TBL1XR1-related conditions (Invitae). In at least one individual the variant was observed to be de novo. This variant is not present in population databases (gnomAD no frequency). This sequence change replaces isoleucine, which is neutral and non-polar, with methionine, which is neutral and non-polar, at codon 394 of the TBL1XR1 protein (p.Ile394Met).

NM_024665.7(TBL1XR1):c.1182T>G (p.Ile394Met)

Gene: TBL1XR1 (TBL1X/Y related 1; minus strand). Cytogenetic location: 3q26.32.
Variant type: single nucleotide variant.
Coding change: c.1182T>G on transcript NM_024665.7 (MANE Select); coding-DNA position 1182, T replaced by G.
Protein change: p.Ile394Met; replaces isoleucine 394 with methionine.
Molecular consequence: missense variant.
Genome position (GRCh38, 1-based): chr3:177,034,266, A>C on the plus strand (T>G on the coding strand, the complement: TBL1XR1 is on the minus strand). VCF-style: chr3-177034266-A-C. GRCh37 (hg19) VCF-style: chr3-176752054-A-C.
Other names: c.1182T>G, p.Ile394Met (NM_001321193.3, NM_001321194.3, NM_001374327.1 and 2 more transcripts); c.921T>G, p.Ile307Met (NM_001321195.3, NM_001374330.1); c.1182T>G (NM_024665.4); short protein forms I307M, I394M.
Identifiers: ClinVar variation 1385699 (VCV001385699.8), dbSNP rs973409423, ClinGen allele CA355554718.